The following is an entry in ClinVar:

NM_000051.4(ATM):c.7928-3C>T

Genes: ATM (ATM serine/threonine kinase; plus strand), C11orf65 (chromosome 11 open reading frame 65; minus strand). Cytogenetic location: 11q22.3.
Variant type: single nucleotide variant.
Coding change: c.7928-3C>T on transcript NM_000051.4 (MANE Select); 3 bases into the intron before coding-DNA position 7928, C replaced by T.
Molecular consequence: intron variant.
Genome position (GRCh38, 1-based): chr11:108,333,883, C>T. VCF-style: chr11-108333883-C-T. GRCh37 (hg19) VCF-style: chr11-108204610-C-T.
Other names: c.*38+1337G>A (NM_001351110.2); c.7928-3C>T (NM_001351834.2); c.641-24812G>A (NM_001330368.2).
Identifiers: ClinVar variation 481314 (VCV000481314.14), dbSNP rs1555126153, ClinGen allele CA658656184.

ClinVar aggregate classification (germline): Conflicting classifications of pathogenicity. Review status: criteria provided, conflicting classifications (1 of 4 stars). 4 submissions from 4 submitters: Uncertain significance (2); Likely benign (1). 1 of the submissions does not count toward it. Last evaluated 2025-04-02.

Conditions:
Hereditary cancer-predisposing syndrome. Also called: Neoplastic Syndromes, Hereditary; Hereditary Cancer Syndrome; Tumor predisposition; Hereditary neoplastic syndrome. Identifiers: Orphanet 140162, MedGen C0027672, MeSH D009386, MONDO:0015356.
Ataxia-telangiectasia syndrome (AT). Also called: LOUIS-BAR SYNDROME; Cerebello-oculocutaneous telangiectasia; Immunodeficiency with ataxia telangiectasia; Ataxia-telangiectasia, complementation group D; AT, COMPLEMENTATION GROUP C; Ataxia-telangiectasia, complementation group E. Identifiers: Orphanet 100, MedGen C0004135, MONDO:0008840, OMIM 208900.

Allele frequency attached by ClinVar (database versions not stated): gnomAD exomes below 0.00001.
gnomAD v4.1: 6 of 1,598,090 alleles (0.00038%); highest among the groups gnomAD compares: Non-Finnish European, 0.00043%; no homozygotes.

Submissions (4):

Labcorp Genetics (formerly Invitae), Labcorp
Classification: Likely benign for Ataxia-telangiectasia syndrome. Last evaluated: 2025-04-02. Review status: criteria provided, single submitter. Criteria: Invitae Variant Classification Sherloc (09022015). Collection method: clinical testing. Allele origin: germline.

Ambry Genetics
Classification: Uncertain significance for Hereditary cancer-predisposing syndrome. Last evaluated: 2024-09-18. Review status: criteria provided, single submitter. Criteria: Ambry Variant Classification Scheme 2023. Collection method: clinical testing. Allele origin: germline.
Comment: The c.7928-3C>T intronic variant results from a C to T substitution 3 nucleotides upstream from coding exon 53 in the ATM gene. This nucleotide position is well conserved in available vertebrate species. In silico splice site analysis predicts that this alteration will not have any significant effect on splicing; however, direct evidence is insufficient at this time. Since supporting evidence is limited at this time, the clinical significance of this alteration remains unclear.

Color Diagnostics, LLC DBA Color Health
Classification: Uncertain significance for Hereditary cancer-predisposing syndrome. Last evaluated: 2019-01-04. Review status: criteria provided, single submitter. Criteria: ACMG Guidelines, 2015. Collection method: clinical testing. Allele origin: germline.

Natera, Inc.
Classification: Uncertain significance for Ataxia-telangiectasia. Last evaluated: 2025-03-18. Review status: no assertion criteria provided. Collection method: clinical testing. Allele origin: germline. Not counted in ClinVar's aggregate classification.